The following is an entry in ClinVar:

ClinVar aggregate classification (germline): Uncertain significance. Review status: criteria provided, multiple submitters, no conflicts (2 of 4 stars). 2 submissions from 2 submitters: Uncertain significance (2). Last evaluated 2025-12-04.

Conditions:
Inborn genetic diseases. Identifiers: MedGen C0950123, MeSH D030342.

Allele frequency attached by ClinVar (database versions not stated): gnomAD exomes below 0.00001.
gnomAD v4.1: 2 of 1,614,004 alleles (0.00012%); highest among the groups gnomAD compares: Admixed American, 0.0017%; no homozygotes.

Submissions (2):

Ambry Genetics
Classification: Uncertain significance for Inborn genetic diseases. Last evaluated: 2025-12-04. Review status: criteria provided, single submitter. Criteria: Ambry Variant Classification Scheme 2023. Collection method: clinical testing. Allele origin: germline.

Labcorp Genetics (formerly Invitae), Labcorp
Classification: Uncertain significance. Last evaluated: 2021-10-30. Review status: criteria provided, single submitter. Criteria: Invitae Variant Classification Sherloc (09022015). Collection method: clinical testing. Allele origin: germline.
Comment: This variant has not been reported in the literature in individuals affected with RNF168-related conditions. This sequence change replaces arginine, which is basic and polar, with glutamine, which is neutral and polar, at codon 63 of the RNF168 protein (p.Arg63Gln). This variant is not present in population databases (gnomAD no frequency). Algorithms developed to predict the effect of missense changes on protein structure and function are either unavailable or do not agree on the potential impact of this missense change (SIFT: "Deleterious"; PolyPhen-2: "Possibly Damaging"; Align-GVGD: "Class C0"). Algorithms developed to predict the effect of sequence changes on RNA splicing suggest that this variant may create or strengthen a splice site. In summary, the available evidence is currently insufficient to determine the role of this variant in disease. Therefore, it has been classified as a Variant of Uncertain Significance.

NM_152617.4(RNF168):c.188G>A (p.Arg63Gln)

Gene: RNF168 (ring finger protein 168; minus strand). Cytogenetic location: 3q29.
Variant type: single nucleotide variant.
Coding change: c.188G>A on transcript NM_152617.4 (MANE Select); coding-DNA position 188, G replaced by A.
Protein change: p.Arg63Gln; replaces arginine 63 with glutamine.
Molecular consequence: missense variant.
Genome position (GRCh38, 1-based): chr3:196,502,986, C>T on the plus strand (G>A on the coding strand, the complement: RNF168 is on the minus strand). VCF-style: chr3-196502986-C-T. GRCh37 (hg19) VCF-style: chr3-196229857-C-T.
Other names: c.188G>A (NM_152617.3); short protein forms R63Q.
Identifiers: ClinVar variation 1399705 (VCV001399705.7), dbSNP rs1051027879, ClinGen allele CA355628003.